The following is an entry in ClinVar:

NM_199242.3(UNC13D):c.2764G>A (p.Ala922Thr)

Genes: UNC13D (unc-13 homolog D; minus strand), LOC112533672 (Sharpr-MPRA regulatory region 1193; plus strand). Cytogenetic location: 17q25.1.
Variant type: single nucleotide variant.
Coding change: c.2764G>A on transcript NM_199242.3 (MANE Select); coding-DNA position 2764, G replaced by A.
Protein change: p.Ala922Thr; replaces alanine 922 with threonine.
Molecular consequence: missense variant.
Genome position (GRCh38, 1-based): chr17:75,830,428, C>T on the plus strand (G>A on the coding strand, the complement: UNC13D is on the minus strand). VCF-style: chr17-75830428-C-T. GRCh37 (hg19) VCF-style: chr17-73826509-C-T.
Other names: short protein forms A922T.
Identifiers: ClinVar variation 891639 (VCV000891639.6), dbSNP rs763375427, ClinGen allele CA8772396.
Genomic context (GRCh38, chr17:75,830,428, plus strand): 5'-AGTCCAGGGGCAGCAGGCTGGAGGCGCTGAGCAGCTCCACACGCAGCTTCTGCTCAGAGG[C>T]GCGGTAGGAGGCCTTGACTGTCACAGCCCCCAGCTCCTCAGAGGTGGTTTCTGCCTGGGG-3'
Protein context (NP_954712.1, residues 912-932): GAVTVKASYR[Ala922Thr]SEQKLRVELL

ClinVar aggregate classification (germline): Uncertain significance. Review status: criteria provided, multiple submitters, no conflicts (2 of 4 stars). 2 submissions from 2 submitters: Uncertain significance (2). Last evaluated 2022-03-26.

Conditions:
Familial hemophagocytic lymphohistiocytosis 3 (FHL3). Also called: UNC13D-Related Familial Hemophagocytic Lymphohistiocytosis (UNC13D-fHLH). Identifiers: Orphanet 540, MedGen C1837174, MONDO:0012146, OMIM 608898.

Allele frequency attached by ClinVar (database versions not stated): TOPMed 0.00004; gnomAD 0.00008 and 0.00009; ExAC 0.00013.
gnomAD v4.1: 246 of 1,585,522 alleles (0.016%); highest among the groups gnomAD compares: Non-Finnish European, 0.02%; no homozygotes.

Submissions (2):

Labcorp Genetics (formerly Invitae), Labcorp
Classification: Uncertain significance for Familial hemophagocytic lymphohistiocytosis 3. Last evaluated: 2022-03-26. Review status: criteria provided, single submitter. Criteria: Invitae Variant Classification Sherloc (09022015). Collection method: clinical testing. Allele origin: germline.
Comment: This sequence change replaces alanine, which is neutral and non-polar, with threonine, which is neutral and polar, at codon 922 of the UNC13D protein (p.Ala922Thr). This variant is present in population databases (rs763375427, gnomAD 0.02%). This variant has not been reported in the literature in individuals affected with UNC13D-related conditions. ClinVar contains an entry for this variant (Variation ID: 891639). Algorithms developed to predict the effect of missense changes on protein structure and function output the following: SIFT: "Not Available"; PolyPhen-2: "Benign"; Align-GVGD: "Not Available". The threonine amino acid residue is found in multiple mammalian species, which suggests that this missense change does not adversely affect protein function. In summary, the available evidence is currently insufficient to determine the role of this variant in disease. Therefore, it has been classified as a Variant of Uncertain Significance.

Illumina Laboratory Services, Illumina
Classification: Uncertain significance for Familial hemophagocytic lymphohistiocytosis 3. Last evaluated: 2017-04-27. Review status: criteria provided, single submitter. Criteria: ICSL Variant Classification Criteria 13 December 2019. Collection method: clinical testing. Allele origin: germline.